The following is an entry in ClinVar:

NM_000051.4(ATM):c.4007dup (p.Ile1337fs)

Gene: ATM (ATM serine/threonine kinase; plus strand). Cytogenetic location: 11q22.3.
Variant type: Duplication.
Coding change: c.4007dup on transcript NM_000051.4 (MANE Select); coding-DNA position 4007, one base duplicated (T; older notation c.4007dupT).
Protein change: p.Ile1337fs; shifts the reading frame from isoleucine 1337.
Molecular consequence: frameshift variant.
Genome position (GRCh38, 1-based): chr11:108,287,613, T duplicated; the last of 2 consecutive T bases (chr11:108,287,612-108,287,613); duplicating either gives the same sequence. VCF-style (leftmost placement, unchanged base first): chr11-108287611-A-AT. GRCh37 (hg19) VCF-style: chr11-108158338-A-AT.
Other names: c.4007dup, p.Ile1337fs (NM_001351834.2); short protein forms I1337fs.
Identifiers: ClinVar variation 1416758 (VCV001416758.6), dbSNP rs1555095841, ClinGen allele CA2573146722.
Genomic context (GRCh38, chr11:108,287,611, plus strand): 5'-GTTCACAGATATAAAATATTAAATATATTTTAATTTTGTGCCCTTGCAGATTGATCACTT[A>AT]TTCATTAGTAATTTACCAGAGATTGTGGTGGAGTTATTGATGACGTTACATGAGCCAGCA-3'

ClinVar aggregate classification (germline): Pathogenic (1 of 4 stars; one submission).

Conditions:
Ataxia-telangiectasia syndrome (AT). Also called: LOUIS-BAR SYNDROME; Cerebello-oculocutaneous telangiectasia; Immunodeficiency with ataxia telangiectasia; ATAXIA-TELANGIECTASIA, COMPLEMENTATION GROUP A; ATAXIA-TELANGIECTASIA, FRESNO VARIANT; Ataxia-telangiectasia, complementation group D. Identifiers: Orphanet 100, MedGen C0004135, MONDO:0008840, OMIM 208900.

Submission:

Labcorp Genetics (formerly Invitae), Labcorp
Classification: Pathogenic for Ataxia-telangiectasia syndrome. Last evaluated: 2020-12-02. Review status: criteria provided, single submitter. Criteria: Invitae Variant Classification Sherloc (09022015). Collection method: clinical testing. Allele origin: germline.
Comment: For these reasons, this variant has been classified as Pathogenic. This variant has not been reported in the literature in individuals with ATM-related conditions. This variant is not present in population databases (ExAC no frequency). This sequence change creates a premature translational stop signal (p.Ile1337Hisfs*2) in the ATM gene. It is expected to result in an absent or disrupted protein product. Loss-of-function variants in ATM are known to be pathogenic (PMID: 23807571, 25614872).

Literature cited by the submitters: PubMed 23807571; PubMed 25614872.